The following is an entry in ClinVar:

NC_000016.9:g.(?_138677)_(188266_?)dup

Gene: NPRL3 (NPR3 like, GATOR1 complex subunit; minus strand). Cytogenetic location: 16p13.3.
Variant type: Duplication.
Identifiers: ClinVar variation 2423607 (VCV002423607.4).

ClinVar aggregate classification (germline): Likely pathogenic (1 of 4 stars; one submission).

Conditions:
Epilepsy, familial focal, with variable foci 3 (FFEVF3). Identifiers: MedGen C4310708, MONDO:0014925, OMIM 617118.

Submission:

Labcorp Genetics (formerly Invitae), Labcorp
Classification: Likely pathogenic for Epilepsy, familial focal, with variable foci 3. Last evaluated: 2023-03-23. Review status: criteria provided, single submitter. Criteria: Invitae Variant Classification Sherloc (09022015). Collection method: clinical testing. Allele origin: germline.
Comment: In summary, the currently available evidence indicates that the variant is pathogenic, but additional data are needed to prove that conclusively. Therefore, this variant has been classified as Likely Pathogenic. This variant has not been reported in the literature in individuals affected with NPRL3-related conditions. This variant results in a copy number gain of the genomic region encompassing exon(s) 2-13 of the NPRL3 gene. While the exact position of this variant cannot be determined from the data, sub-genic copy number gains are generally in tandem (PMID: 25640679). This variant is predicted to be out-of-frame, and may result in an absent or disrupted protein product. Loss-of-function variants in NPRL3 are known to be pathogenic (PMID: 26285051, 26505888).

Literature cited by the submitters: PubMed 25640679; PubMed 26285051; PubMed 26505888.